The following is an entry in ClinVar:

ClinVar aggregate classification (germline): Conflicting classifications of pathogenicity. Review status: criteria provided, conflicting classifications (1 of 4 stars). 4 submissions from 4 submitters: Uncertain significance (1); Likely benign (1). 2 of the submissions do not count toward it. Last evaluated 2026-01-26.

Conditions:
MMAB-related disorder. Also called: MMAB-related condition.
Methylmalonic aciduria, cblB type (MACB). Also called: Methylmalonic acidemia cblB type; Vitamin B12-responsive methylmalonic acidemia type cblB; METHYLMALONIC ACIDURIA, VITAMIN B12-RESPONSIVE, DUE TO DEFECT IN SYNTHESIS OF ADENOSYLCOBALAMIN, cblB TYPE. Identifiers: Orphanet 28, Orphanet 79311, MedGen C1855102, MONDO:0009614, OMIM 251110.

Allele frequency attached by ClinVar (database versions not stated): gnomAD exomes 0.00008 and 0.00020; ExAC 0.00030; ESP Exome Variant Server 0.00062; TOPMed 0.00095; gnomAD 0.00098 and 0.00104; 1000 Genomes Project 30x 0.00172; 1000 Genomes Project 0.00180.
gnomAD v4.1: 265 of 1,604,708 alleles (0.017%); highest among the groups gnomAD compares: African/African-American, 0.33%; 1 homozygote.

Submissions (4):

Labcorp Genetics (formerly Invitae), Labcorp
Classification: Likely benign for Methylmalonic aciduria, cblB type. Last evaluated: 2026-01-26. Review status: criteria provided, single submitter. Criteria: Invitae Variant Classification Sherloc (09022015). Collection method: clinical testing. Allele origin: germline.

Revvity Omics, Revvity
Classification: Uncertain significance for Methylmalonic aciduria, cblB type. Last evaluated: 2022-04-15. Review status: criteria provided, single submitter. Criteria: ACMG Guidelines, 2015. Collection method: clinical testing. Allele origin: germline.

PreventionGenetics, part of Exact Sciences
Classification: Likely benign for MMAB-related condition. Last evaluated: 2022-07-12. Review status: no assertion criteria provided. Collection method: clinical testing. Allele origin: germline. Not counted in ClinVar's aggregate classification.
Comment: This variant is classified as likely benign based on ACMG/AMP sequence variant interpretation guidelines (Richards et al. 2015 PMID: 25741868, with internal and published modifications).

Natera, Inc.
Classification: Benign for Methylmalonic aciduria cblB type. Last evaluated: 2020-04-10. Review status: no assertion criteria provided. Collection method: clinical testing. Allele origin: germline. Not counted in ClinVar's aggregate classification.

NM_052845.4(MMAB):c.10T>C (p.Cys4Arg)

Genes: MMAB (metabolism of cobalamin associated B; minus strand), MVK (mevalonate kinase; plus strand). Cytogenetic location: 12q24.11.
Variant type: single nucleotide variant.
Coding change: c.10T>C on transcript NM_052845.4 (MANE Select); coding-DNA position 10, T replaced by C.
Protein change: p.Cys4Arg; replaces cysteine 4 with arginine.
Molecular consequence: missense variant. On other transcripts: non-coding transcript variant (1).
Genome position (GRCh38, 1-based): chr12:109,573,471, A>G on the plus strand (T>C on the coding strand, the complement: MMAB is on the minus strand). VCF-style: chr12-109573471-A-G. GRCh37 (hg19) VCF-style: chr12-110011276-A-G.
Other names: short protein forms C4R.
Identifiers: ClinVar variation 711515 (VCV000711515.16), dbSNP rs146668962, ClinGen allele CA6779089.